The following is an entry in ClinVar:

ClinVar aggregate classification (germline): Uncertain significance. Review status: criteria provided, multiple submitters, no conflicts (2 of 4 stars). 3 submissions from 3 submitters: Uncertain significance (3). Last evaluated 2024-12-13.

Conditions:
CFAP410-related disorder. Also called: CFAP410-related condition.

Allele frequency attached by ClinVar (database versions not stated): gnomAD exomes below 0.00001; gnomAD 0.00005; TOPMed 0.00006; ExAC 0.00008; ESP Exome Variant Server 0.00017.
gnomAD v4.1: 8 of 1,471,286 alleles (0.00054%); highest among the groups gnomAD compares: African/African-American, 0.012%; no homozygotes.

Submissions (3):

PreventionGenetics, part of Exact Sciences
Classification: Uncertain significance for CFAP410-related condition. Last evaluated: 2024-12-13. Review status: criteria provided, single submitter. Criteria: ACMG Guidelines, 2015. Collection method: clinical testing. Allele origin: germline.
Comment: The CFAP410 c.26T>C variant is predicted to result in the amino acid substitution p.Leu9Pro. This variant was reported in the homozygous state in two siblings with retinal dystrophy (Shinbashi and Randolph. 2023. PubMed ID: 36950666). This variant is reported in 0.028% of alleles in individuals of African descent in gnomAD. At this time, the clinical significance of this variant is uncertain due to the absence of conclusive functional and genetic evidence.

Labcorp Genetics (formerly Invitae), Labcorp
Classification: Uncertain significance. Last evaluated: 2022-08-23. Review status: criteria provided, single submitter. Criteria: Invitae Variant Classification Sherloc (09022015). Collection method: clinical testing. Allele origin: germline.
Comment: The frequency data for this variant in the population databases is considered unreliable, as metrics indicate poor data quality at this position in the gnomAD database. In summary, the available evidence is currently insufficient to determine the role of this variant in disease. Therefore, it has been classified as a Variant of Uncertain Significance. Algorithms developed to predict the effect of missense changes on protein structure and function are either unavailable or do not agree on the potential impact of this missense change (SIFT: "Deleterious"; PolyPhen-2: "Probably Damaging"; Align-GVGD: "Class C0"). This missense change has been observed in individual(s) with rod-cone dystrophy (Invitae). This sequence change replaces leucine, which is neutral and non-polar, with proline, which is neutral and non-polar, at codon 9 of the CFAP410 protein (p.Leu9Pro).

Blueprint Genetics
Classification: Uncertain significance. Last evaluated: 2022-04-22. Review status: criteria provided, single submitter. Criteria: ACMG Guidelines, 2015. Collection method: clinical testing. Allele origin: germline.

NM_004928.3(CFAP410):c.26T>C (p.Leu9Pro)

Genes: CFAP410 (cilia and flagella associated protein 410; minus strand), LOC130066823 (ATAC-STARR-seq lymphoblastoid silent region 13383; plus strand). Cytogenetic location: 21q22.3.
Variant type: single nucleotide variant.
Coding change: c.26T>C on transcript NM_004928.3 (MANE Select); coding-DNA position 26, T replaced by C.
Protein change: p.Leu9Pro; replaces leucine 9 with proline.
Molecular consequence: missense variant.
Genome position (GRCh38, 1-based): chr21:44,339,169, A>G on the plus strand (T>C on the coding strand, the complement: CFAP410 is on the minus strand). VCF-style: chr21-44339169-A-G. GRCh37 (hg19) VCF-style: chr21-45759052-A-G.
Other names: c.26T>C (NM_004928.2); c.26T>C, p.Leu9Pro (NM_001271440.2, NM_001271441.2); short protein forms L9P.
Identifiers: ClinVar variation 1985778 (VCV001985778.5), dbSNP rs372118549, ClinGen allele CA10053922.